The following is an entry in ClinVar:

NM_014956.5(CEP164):c.547A>G (p.Met183Val)

Gene: CEP164 (centrosomal protein 164; plus strand). Cytogenetic location: 11q23.3.
Variant type: single nucleotide variant.
Coding change: c.547A>G on transcript NM_014956.5 (MANE Select); coding-DNA position 547, A replaced by G.
Protein change: p.Met183Val; replaces methionine 183 with valine.
Molecular consequence: missense variant.
Genome position (GRCh38, 1-based): chr11:117,361,988, A>G. VCF-style: chr11-117361988-A-G. GRCh37 (hg19) VCF-style: chr11-117232704-A-G.
Other names: c.547A>G, p.Met183Val (NM_001271933.2); c.547A>G (NM_014956.4); short protein forms M183V.
Identifiers: ClinVar variation 1009388 (VCV001009388.8), dbSNP rs749917447, ClinGen allele CA6294510.

ClinVar aggregate classification (germline): Conflicting classifications of pathogenicity. Review status: criteria provided, conflicting classifications (1 of 4 stars). 3 submissions from 3 submitters: Uncertain significance (2); Likely benign (1). Last evaluated 2025-12-03.

Conditions:
CEP164-related disorder. Also called: CEP164-related condition.
Inborn genetic diseases. Identifiers: MedGen C0950123, MeSH D030342.
Nephronophthisis 15 (NPHP15). Identifiers: Orphanet 3156, MedGen C3541853, MONDO:0013917, OMIM 614845.

Allele frequency attached by ClinVar (database versions not stated): gnomAD exomes below 0.00001; ExAC 0.00001; TOPMed 0.00002.

Submissions (3):

PreventionGenetics, part of Exact Sciences
Classification: Uncertain significance for CEP164-related condition. Last evaluated: 2025-12-03. Review status: criteria provided, single submitter. Criteria: ACMG Guidelines, 2015. Collection method: clinical testing. Allele origin: germline.
Comment: The CEP164 c.547A>G variant is predicted to result in the amino acid substitution p.Met183Val. To our knowledge, this variant has not been reported in the literature. This variant is reported in 0.0039% of alleles in individuals of Latino descent in gnomAD. At this time, the clinical significance of this variant is uncertain due to the absence of conclusive functional and genetic evidence.

Labcorp Genetics (formerly Invitae), Labcorp
Classification: Uncertain significance for Nephronophthisis 15. Last evaluated: 2025-06-12. Review status: criteria provided, single submitter. Criteria: Invitae Variant Classification Sherloc (09022015). Collection method: clinical testing. Allele origin: germline.
Comment: This sequence change replaces methionine, which is neutral and non-polar, with valine, which is neutral and non-polar, at codon 183 of the CEP164 protein (p.Met183Val). This variant is present in population databases (rs749917447, gnomAD 0.004%). This variant has not been reported in the literature in individuals affected with CEP164-related conditions. ClinVar contains an entry for this variant (Variation ID: 1009388). An algorithm developed to predict the effect of missense changes on protein structure and function outputs the following: PolyPhen-2: "Benign". The valine amino acid residue is found in multiple mammalian species, which suggests that this missense change does not adversely affect protein function. In summary, the available evidence is currently insufficient to determine the role of this variant in disease. Therefore, it has been classified as a Variant of Uncertain Significance.

Ambry Genetics
Classification: Likely benign for Inborn genetic diseases. Last evaluated: 2024-01-22. Review status: criteria provided, single submitter. Criteria: Ambry Variant Classification Scheme 2023. Collection method: clinical testing. Allele origin: germline.